The following is an entry in ClinVar:

NM_000135.4(FANCA):c.3891G>A (p.Lys1297=)

Genes: FANCA (FA complementation group A; minus strand), ZNF276 (zinc finger protein 276; plus strand). Cytogenetic location: 16q24.3.
Variant type: single nucleotide variant.
Coding change: c.3891G>A on transcript NM_000135.4 (MANE Select); coding-DNA position 3891, G replaced by A.
Protein change: p.Lys1297=; no amino-acid change (lysine 1297 retained).
Molecular consequence: synonymous variant. On other transcripts: 3 prime UTR variant (2), non-coding transcript variant (4).
Genome position (GRCh38, 1-based): chr16:89,740,037, C>T on the plus strand (G>A on the coding strand, the complement: FANCA is on the minus strand). VCF-style: chr16-89740037-C-T. GRCh37 (hg19) VCF-style: chr16-89806445-C-T.
Other names: c.3891G>A, p.Lys1297= (NM_001286167.3); c.*1791C>T (NM_001113525.2, NM_152287.4).
Identifiers: ClinVar variation 414831 (VCV000414831.27), dbSNP rs17227361, ClinGen allele CA8250919.

ClinVar aggregate classification (germline): Benign/Likely benign. Review status: criteria provided, multiple submitters, no conflicts (2 of 4 stars). 9 submissions from 9 submitters: Benign (4); Likely benign (4). 1 of the submissions does not count toward it. Last evaluated 2026-01-31.

Conditions:
Fanconi anemia (FA). Also called: Fanconi's anemia. Identifiers: Orphanet 84, MedGen C0015625, MeSH D005199, MONDO:0019391.
Fanconi anemia complementation group A (FANCA). Also called: Fanconi anemia, group A; FANCA-Related Fanconi Anemia. Identifiers: Orphanet 84, MedGen C3469521, MONDO:0009215, OMIM 227650.

Allele frequency attached by ClinVar (database versions not stated): gnomAD exomes 0.00028 and 0.00071; ExAC 0.00089; 1000 Genomes Project 0.00200; gnomAD 0.00266 and 0.00286; 1000 Genomes Project 30x 0.00297; TOPMed 0.00305; ESP Exome Variant Server 0.00331.
gnomAD v4.1: 815 of 1,614,212 alleles (0.05%); highest among the groups gnomAD compares: African/African-American, 0.97%; 1 homozygote.

Submissions (9):

Labcorp Genetics (formerly Invitae), Labcorp
Classification: Benign for Fanconi anemia. Last evaluated: 2026-01-31. Review status: criteria provided, single submitter. Criteria: Invitae Variant Classification Sherloc (09022015). Collection method: clinical testing. Allele origin: germline.

Quest Diagnostics Nichols Institute San Juan Capistrano
Classification: Benign. Last evaluated: 2025-07-28. Review status: criteria provided, single submitter. Criteria: Quest Diagnostics criteria. Collection method: clinical testing. Allele origin: unknown.

Blueprint Genetics
Classification: Likely benign. Last evaluated: 2024-10-07. Review status: criteria provided, single submitter. Criteria: ACMG Guidelines, 2015. Collection method: clinical testing. Allele origin: germline.

ARUP Laboratories, Molecular Genetics and Genomics, ARUP Laboratories
Classification: Benign for Fanconi anemia complementation group A. Last evaluated: 2024-03-25. Review status: criteria provided, single submitter. Criteria: ARUP Molecular Germline Variant Investigation Process 2024. Collection method: clinical testing. Allele origin: germline.

Fulgent Genetics
Classification: Likely benign for Fanconi anemia complementation group A. Last evaluated: 2021-09-23. Review status: criteria provided, single submitter. Criteria: ACMG Guidelines, 2015. Collection method: clinical testing. Allele origin: unknown.

Genetic Services Laboratory, University of Chicago
Classification: Benign. Last evaluated: 2021-05-26. Review status: criteria provided, single submitter. Criteria: ACMG Guidelines, 2015. Collection method: clinical testing. Allele origin: germline. Affected: no.

Sema4
Classification: Likely benign for Fanconi anemia. Last evaluated: 2020-12-15. Review status: criteria provided, single submitter. Criteria: Sema4 Curation Guidelines. Collection method: curation. Allele origin: germline.

Illumina Laboratory Services, Illumina
Classification: Likely benign for Fanconi anemia complementation group A. Last evaluated: 2018-01-13. Review status: criteria provided, single submitter. Criteria: ICSL Variant Classification Criteria 13 December 2019. Collection method: clinical testing. Allele origin: germline.
Comment: This variant was observed in the ICSL laboratory as part of a predisposition screen in an ostensibly healthy population. It had not been previously curated by ICSL or reported in the Human Gene Mutation Database (HGMD: prior to June 1st, 2018), and was therefore a candidate for classification through an automated scoring system. Utilizing variant allele frequency, disease prevalence and penetrance estimates, and inheritance mode, an automated score was calculated to assess if this variant is too frequent to cause the disease. Based on the score and internal cut-off values, a variant classified as likely benign is not then subjected to further curation. The score for this variant resulted in a classification of likely benign for this disease.

Natera, Inc.
Classification: Likely benign for Fanconi anemia. Last evaluated: 2019-12-09. Review status: no assertion criteria provided. Collection method: clinical testing. Allele origin: germline. Not counted in ClinVar's aggregate classification.